The following is an entry in ClinVar:

NM_005612.5(REST):c.1119A>G (p.Arg373=)

Gene: REST (RE1 silencing transcription factor; plus strand). Cytogenetic location: 4q12.
Variant type: single nucleotide variant.
Coding change: c.1119A>G on transcript NM_005612.5 (MANE Select); coding-DNA position 1119, A replaced by G.
Protein change: p.Arg373=; no amino-acid change (arginine 373 retained).
Molecular consequence: synonymous variant.
Genome position (GRCh38, 1-based): chr4:56,929,977, A>G. VCF-style: chr4-56929977-A-G. GRCh37 (hg19) VCF-style: chr4-57796143-A-G.
Other names: c.1119A>G, p.Arg373= (NM_001193508.2, NM_001363453.3).
Identifiers: ClinVar variation 3772374 (VCV003772374.13).

ClinVar aggregate classification (germline): Likely benign (1 of 4 stars; one submission).

Submission:

CeGaT Center for Human Genetics Tuebingen
Classification: Likely benign. Last evaluated: 2025-01-01. Review status: criteria provided, single submitter. Criteria: CeGaT Center For Human Genetics Tuebingen Variant Classification Criteria Version 2. Collection method: clinical testing. Allele origin: germline. Affected: yes. Observed: 1 variant allele.
Comment: REST: BP4, BP7